The following is an entry in ClinVar:

ClinVar aggregate classification (germline): Pathogenic (1 of 4 stars; one submission).

Submission:

Labcorp Genetics (formerly Invitae), Labcorp
Classification: Pathogenic. Last evaluated: 2025-12-08. Review status: criteria provided, single submitter. Criteria: Invitae Variant Classification Sherloc (09022015). Collection method: clinical testing. Allele origin: germline.
Comment: This sequence change replaces tryptophan, which is neutral and slightly polar, with cysteine, which is neutral and slightly polar, at codon 749 of the PHEX protein (p.Trp749Cys). This variant is not present in population databases (gnomAD no frequency). This missense change has been observed in individual(s) with hypophosphatemic rickets (internal data). It has also been observed to segregate with disease in related individuals. Invitae Evidence Modeling of protein sequence and biophysical properties (such as structural, functional, and spatial information, amino acid conservation, physicochemical variation, residue mobility, and thermodynamic stability) indicates that this missense variant is expected to disrupt PHEX protein function with a positive predictive value of 95%. This variant disrupts the p.Trp749 amino acid residue in PHEX. Other variant(s) that disrupt this residue have been determined to be pathogenic (PMID: 9768674, 29858904; internal data). This suggests that this residue is clinically significant, and that variants that disrupt this residue are likely to be disease-causing. For these reasons, this variant has been classified as Pathogenic.

Literature cited by the submitters: PubMed 9768674; PubMed 29858904.

NM_000444.6(PHEX):c.2247G>T (p.Trp749Cys)

Genes: PHEX (phosphate regulating endopeptidase X-linked; plus strand), PTCHD1-AS (PTCHD1 and PHEX antisense RNA; minus strand). Cytogenetic location: Xp22.11.
Variant type: single nucleotide variant.
Coding change: c.2247G>T on transcript NM_000444.6 (MANE Select); coding-DNA position 2247, G replaced by T.
Protein change: p.Trp749Cys; replaces tryptophan 749 with cysteine.
Molecular consequence: missense variant. On other transcripts: 3 prime UTR variant (1).
Genome position (GRCh38, 1-based): chrX:22,247,950, G>T. VCF-style: chrX-22247950-G-T. GRCh37 (hg19) VCF-style: chrX-22266067-G-T.
Other names: c.*82G>T (NM_001282754.2); short protein forms W749C.
Identifiers: ClinVar variation 4711390 (VCV004711390.1).
Genomic context (GRCh38, chrX:22,247,950, plus strand): 5'-AGCTTTTAACTGTCCACCCAATTCCACGATGAACAGAGGCATGGACTCCTGCCGACTCTG[G>T]TAGCTGGGACGCTGGTTTATGGCATCCTGAGACAGTTGCACAGTGCCAGCGGAGGCTGCA-3'
Protein context (NP_000435.3, residues 739-749): MNRGMDSCRL[Trp749Cys]